The following is an entry in ClinVar:

NM_005012.4(ROR1):c.1286G>A (p.Arg429Gln)

Gene: ROR1 (receptor tyrosine kinase like orphan receptor 1; plus strand). Cytogenetic location: 1p31.3.
Variant type: single nucleotide variant.
Coding change: c.1286G>A on transcript NM_005012.4 (MANE Select); coding-DNA position 1286, G replaced by A.
Protein change: p.Arg429Gln; replaces arginine 429 with glutamine.
Molecular consequence: missense variant.
Genome position (GRCh38, 1-based): chr1:64,159,092, G>A. VCF-style: chr1-64159092-G-A. GRCh37 (hg19) VCF-style: chr1-64624775-G-A.
Other names: c.1286G>A (NM_005012.2); short protein forms R429Q.
Identifiers: ClinVar variation 1940381 (VCV001940381.6), dbSNP rs771229553, ClinGen allele CA890247.

ClinVar aggregate classification (germline): Uncertain significance. Review status: criteria provided, multiple submitters, no conflicts (2 of 4 stars). 2 submissions from 2 submitters: Uncertain significance (2). Last evaluated 2025-01-09.

Allele frequency attached by ClinVar (database versions not stated): ExAC 0.00004; gnomAD exomes 0.00006; TOPMed 0.00022; gnomAD 0.00024.
gnomAD v4.1: 124 of 1,613,964 alleles (0.0077%); highest among the groups gnomAD compares: Admixed American, 0.11%; 1 homozygote.

Submissions (2):

Labcorp Genetics (formerly Invitae), Labcorp
Classification: Uncertain significance. Last evaluated: 2025-01-09. Review status: criteria provided, single submitter. Criteria: Invitae Variant Classification Sherloc (09022015). Collection method: clinical testing. Allele origin: germline.
Comment: This sequence change replaces arginine, which is basic and polar, with glutamine, which is neutral and polar, at codon 429 of the ROR1 protein (p.Arg429Gln). This variant is present in population databases (rs771229553, gnomAD 0.08%), and has an allele count higher than expected for a pathogenic variant. This variant has not been reported in the literature in individuals affected with ROR1-related conditions. ClinVar contains an entry for this variant (Variation ID: 1940381). Invitae Evidence Modeling of protein sequence and biophysical properties (such as structural, functional, and spatial information, amino acid conservation, physicochemical variation, residue mobility, and thermodynamic stability) indicates that this missense variant is not expected to disrupt ROR1 protein function with a negative predictive value of 80%. In summary, the available evidence is currently insufficient to determine the role of this variant in disease. Therefore, it has been classified as a Variant of Uncertain Significance.

Ambry Genetics
Classification: Uncertain significance. Last evaluated: 2024-09-02. Review status: criteria provided, single submitter. Criteria: Ambry Variant Classification Scheme 2023. Collection method: clinical testing. Allele origin: germline.